The following is an entry in ClinVar:

ClinVar aggregate classification (germline): Pathogenic (1 of 4 stars; one submission).

Conditions:
Primary ciliary dyskinesia 3. Identifiers: Orphanet 244, MedGen C1837618, MONDO:0012085, OMIM 608644.

Submission:

Myriad Genetics, Inc.
Classification: Pathogenic for Primary ciliary dyskinesia 3. Last evaluated: 2024-05-14. Review status: criteria provided, single submitter. Criteria: Myriad Autosomal Dominant, Autosomal Recessive and X-Linked Classification Criteria (2023). Collection method: clinical testing. Allele origin: unknown.
Comment: NM_001369.2(DNAH5):c.8928_8930del3ins14(S2977Yfs*10) is expected to be pathogenic in the context of primary ciliary dyskinesia, DNAH5-related. This variant is predicted to lead to an abnormal or absent protein product due to the creation of a premature termination codon in DNAH5, a gene where loss-of-function variants are known to be pathogenic. Please note: this variant was assessed in the context of healthy population screening.

NM_001369.3(DNAH5):c.8928_8930delinsGTATAAGAGACAGT (p.Ser2977fs)

Gene: DNAH5 (dynein axonemal heavy chain 5; minus strand). Cytogenetic location: 5p15.2.
Variant type: Indel.
Coding change: c.8928_8930delinsGTATAAGAGACAGT on transcript NM_001369.3 (MANE Select); coding-DNA positions 8928 to 8930, TTC replaced by GTATAAGAGACAGT.
Protein change: p.Ser2977fs; shifts the reading frame from serine 2977.
Molecular consequence: frameshift variant.
Genome position (GRCh38, 1-based): chr5:13,780,850-13,780,852, GAA replaced by ACTGTCTCTTATAC on the plus strand (TTC replaced by GTATAAGAGACAGT on the coding strand, the reverse complement: DNAH5 is on the minus strand). VCF-style: chr5-13780850-GAA-ACTGTCTCTTATAC. GRCh37 (hg19) VCF-style: chr5-13780959-GAA-ACTGTCTCTTATAC.
Other names: short protein forms S2977fs.
Identifiers: ClinVar variation 5011126 (VCV005011126.1).
Genomic context (GRCh38, chr5:13,780,850, plus strand): 5'-AAAATCCATGTTAGGTTTGTTAAAGTAAAAGGTTGTCACCTCGTCAGAGTGATCTGGAAG[GAA>ACTGTCTCTTATAC]ACGTAGCCAGCAATGAATGAAGCCAACCTCGTCAGGCTCTGCTTTCCTGATCCGCCCACC-3'